The following is an entry in ClinVar:

NM_004990.4(MARS1):c.1901C>T (p.Ser634Phe)

Gene: MARS1 (methionyl-tRNA synthetase 1; plus strand). Cytogenetic location: 12q13.3.
Variant type: single nucleotide variant.
Coding change: c.1901C>T on transcript NM_004990.4 (MANE Select); coding-DNA position 1901, C replaced by T.
Protein change: p.Ser634Phe; replaces serine 634 with phenylalanine.
Molecular consequence: missense variant.
Genome position (GRCh38, 1-based): chr12:57,512,898, C>T. VCF-style: chr12-57512898-C-T. GRCh37 (hg19) VCF-style: chr12-57906681-C-T.
Other names: short protein forms S634F.
Identifiers: ClinVar variation 1681760 (VCV001681760.6), dbSNP rs769611828, ClinGen allele CA237770581.

ClinVar aggregate classification (germline): Uncertain significance (1 of 4 stars; one submission).

Conditions:
Severe early-onset pulmonary alveolar proteinosis due to MARS deficiency. Also called: PULMONARY ALVEOLAR PROTEINOSIS, REUNION ISLAND; Interstitial lung and liver disease. Identifiers: Orphanet 440427, MedGen C4225400, MONDO:0014206, OMIM 615486.
Charcot-Marie-Tooth disease axonal type 2U. Also called: CHARCOT-MARIE-TOOTH NEUROPATHY, TYPE 2U; CHARCOT-MARIE-TOOTH DISEASE, AXONAL, AUTOSOMAL DOMINANT, TYPE 2U. Identifiers: Orphanet 397735, MedGen C4084821, MONDO:0014566, OMIM 616280.

Allele frequency attached by ClinVar (database versions not stated): gnomAD exomes below 0.00001.
gnomAD v4.1: 5 of 1,614,214 alleles (0.00031%); highest among the groups gnomAD compares: Admixed American, 0.0017%; no homozygotes.

Submission:

Labcorp Genetics (formerly Invitae), Labcorp
Classification: Uncertain significance for Charcot-Marie-Tooth disease axonal type 2U; Severe early-onset pulmonary alveolar proteinosis due to MARS deficiency. Last evaluated: 2023-08-30. Review status: criteria provided, single submitter. Criteria: Invitae Variant Classification Sherloc (09022015). Collection method: clinical testing. Allele origin: germline.
Comment: In summary, the available evidence is currently insufficient to determine the role of this variant in disease. Therefore, it has been classified as a Variant of Uncertain Significance. An algorithm developed to predict the effect of missense changes on protein structure and function (PolyPhen-2) suggests that this variant is likely to be disruptive. ClinVar contains an entry for this variant (Variation ID: 1681760). This variant has not been reported in the literature in individuals affected with MARS-related conditions. This variant is not present in population databases (gnomAD no frequency). This sequence change replaces serine, which is neutral and polar, with phenylalanine, which is neutral and non-polar, at codon 634 of the MARS protein (p.Ser634Phe).